The following is an entry in ClinVar:

NM_000304.4(PMP22):c.267C>G (p.Thr89=)

Gene: PMP22 (peripheral myelin protein 22; minus strand). Cytogenetic location: 17p12.
Variant type: single nucleotide variant.
Coding change: c.267C>G on transcript NM_000304.4 (MANE Select); coding-DNA position 267, C replaced by G.
Protein change: p.Thr89=; no amino-acid change (threonine 89 retained).
Molecular consequence: synonymous variant. On other transcripts: non-coding transcript variant (2).
Genome position (GRCh38, 1-based): chr17:15,239,523, G>C on the plus strand (C>G on the coding strand, the complement: PMP22 is on the minus strand). VCF-style: chr17-15239523-G-C. GRCh37 (hg19) VCF-style: chr17-15142840-G-C.
Other names: c.267C>G, p.Thr89= (NM_001281455.2, NM_001281456.2, NM_001330143.2 and 2 more transcripts).
Identifiers: ClinVar variation 3047127 (VCV003047127.2), dbSNP rs2150676668, ClinGen allele CA398267904.

ClinVar aggregate classification (germline): Likely benign (0 of 4 stars; one submission).

Conditions:
PMP22-related disorder. Also called: PMP22-related disorders; PMP22-related condition.

Submission:

PreventionGenetics, part of Exact Sciences
Classification: Likely benign for PMP22-related condition. Last evaluated: 2019-03-25. Review status: no assertion criteria provided. Collection method: clinical testing. Allele origin: germline.
Comment: This variant is classified as likely benign based on ACMG/AMP sequence variant interpretation guidelines (Richards et al. 2015 PMID: 25741868, with internal and published modifications).